The following is an entry in ClinVar:

NM_001379500.1(COL18A1):c.2092G>A (p.Gly698Arg)

Gene: COL18A1 (collagen type XVIII alpha 1 chain; plus strand). Cytogenetic location: 21q22.3.
Variant type: single nucleotide variant.
Coding change: c.2092G>A on transcript NM_001379500.1 (MANE Select); coding-DNA position 2092, G replaced by A.
Protein change: p.Gly698Arg; replaces glycine 698 with arginine.
Molecular consequence: missense variant.
Genome position (GRCh38, 1-based): chr21:45,491,249, G>A. VCF-style: chr21-45491249-G-A. GRCh37 (hg19) VCF-style: chr21-46911163-G-A.
Other names: NM_130445.2:c.2092G>A; c.2632G>A (NM_030582.3); c.2632G>A, p.Gly878Arg (NM_030582.4); c.3337G>A, p.Gly1113Arg (NM_130444.3); short protein forms G1113R, G698R, G878R.
Identifiers: ClinVar variation 1022823 (VCV001022823.9), dbSNP rs767150342, ClinGen allele CA10066798.

ClinVar aggregate classification (germline): Uncertain significance. Review status: criteria provided, multiple submitters, no conflicts (2 of 4 stars). 5 submissions from 5 submitters: Uncertain significance (5). Last evaluated 2025-06-07.

Conditions:
Knobloch syndrome 1 (KNO1). Identifiers: MedGen C4551775, MONDO:0800167, OMIM 267750.
Hereditary glaucoma, primary closed-angle. Also called: Glaucoma, primary closed-angle. Identifiers: MedGen C5394374, MONDO:0030038, OMIM 618880.
COL18A1-related disorder. Also called: COL18A1-related condition; COL18A1-related disorders.
Inborn genetic diseases. Identifiers: MedGen C0950123, MeSH D030342.

Allele frequency attached by ClinVar (database versions not stated): gnomAD 0.00001 and 0.00002; TOPMed 0.00003; gnomAD exomes 0.00004 and 0.00006; ExAC 0.00006.
gnomAD v4.1: 84 of 1,612,264 alleles (0.0052%); highest among the groups gnomAD compares: Admixed American, 0.013%; no homozygotes.

Submissions (5):

Ambry Genetics
Classification: Uncertain significance for Inborn genetic diseases. Last evaluated: 2025-06-07. Review status: criteria provided, single submitter. Criteria: Ambry Variant Classification Scheme 2023. Collection method: clinical testing. Allele origin: germline.

PreventionGenetics, part of Exact Sciences
Classification: Uncertain significance for COL18A1-related condition. Last evaluated: 2025-03-30. Review status: criteria provided, single submitter. Criteria: ACMG Guidelines, 2015. Collection method: clinical testing. Allele origin: germline.
Comment: The COL18A1 c.2632G>A variant is predicted to result in the amino acid substitution p.Gly878Arg. To our knowledge, this variant has not been reported in the literature. This variant is reported in 0.012% of alleles in individuals of Latino descent in gnomAD. At this time, the clinical significance of this variant is uncertain due to the absence of conclusive functional and genetic evidence.

GeneDx
Classification: Uncertain significance. Last evaluated: 2024-03-25. Review status: criteria provided, single submitter. Criteria: GeneDx Variant Classification Process June 2021. Collection method: clinical testing. Allele origin: germline. Affected: yes.
Comment: Has not been previously published as pathogenic or benign to our knowledge; In silico analysis supports that this missense variant has a deleterious effect on protein structure/function

Labcorp Genetics (formerly Invitae), Labcorp
Classification: Uncertain significance. Last evaluated: 2022-11-28. Review status: criteria provided, single submitter. Criteria: Invitae Variant Classification Sherloc (09022015). Collection method: clinical testing. Allele origin: germline.
Comment: In summary, the available evidence is currently insufficient to determine the role of this variant in disease. Therefore, it has been classified as a Variant of Uncertain Significance. Experimental studies and prediction algorithms are not available or were not evaluated, and the functional significance of this variant is currently unknown. ClinVar contains an entry for this variant (Variation ID: 1022823). This variant has not been reported in the literature in individuals affected with COL18A1-related conditions. This variant is present in population databases (rs767150342, gnomAD 0.01%). This sequence change replaces glycine, which is neutral and non-polar, with arginine, which is basic and polar, at codon 698 of the COL18A1 protein (p.Gly698Arg).

Fulgent Genetics
Classification: Uncertain significance for Knobloch syndrome 1; Hereditary glaucoma, primary closed-angle. Last evaluated: 2021-09-10. Review status: criteria provided, single submitter. Criteria: ACMG Guidelines, 2015. Collection method: clinical testing. Allele origin: unknown.